The following is an entry in ClinVar:

ClinVar aggregate classification (germline): Uncertain significance (1 of 4 stars; one submission).

Conditions:
Ulnar-mammary syndrome (UMS). Also called: PALLISTER ULNAR-MAMMARY SYNDROME; Ulnar-mammary syndrome of Pallister; SCHINZEL SYNDROME. Identifiers: Orphanet 3138, MedGen C1866994, MONDO:0008411, OMIM 181450.

Submission:

Labcorp Genetics (formerly Invitae), Labcorp
Classification: Uncertain significance for Ulnar-mammary syndrome. Last evaluated: 2022-06-04. Review status: criteria provided, single submitter. Criteria: Invitae Variant Classification Sherloc (09022015). Collection method: clinical testing. Allele origin: germline.
Comment: In summary, the available evidence is currently insufficient to determine the role of this variant in disease. Therefore, it has been classified as a Variant of Uncertain Significance. Algorithms developed to predict the effect of missense changes on protein structure and function (SIFT, PolyPhen-2, Align-GVGD) all suggest that this variant is likely to be tolerated. This variant has not been reported in the literature in individuals affected with TBX3-related conditions. This variant is not present in population databases (gnomAD no frequency). This sequence change replaces phenylalanine, which is neutral and non-polar, with serine, which is neutral and polar, at codon 397 of the TBX3 protein (p.Phe397Ser).

NM_005996.4(TBX3):c.1190T>C (p.Phe397Ser)

Gene: TBX3 (T-box transcription factor 3; minus strand). Cytogenetic location: 12q24.21.
Variant type: single nucleotide variant.
Coding change: c.1190T>C on transcript NM_005996.4 (MANE Select); coding-DNA position 1190, T replaced by C.
Protein change: p.Phe397Ser; replaces phenylalanine 397 with serine.
Molecular consequence: missense variant.
Genome position (GRCh38, 1-based): chr12:114,674,685, A>G on the plus strand (T>C on the coding strand, the complement: TBX3 is on the minus strand). VCF-style: chr12-114674685-A-G. GRCh37 (hg19) VCF-style: chr12-115112490-A-G.
Other names: c.1250T>C, p.Phe417Ser (NM_016569.4); short protein forms F397S, F417S.
Identifiers: ClinVar variation 2070375 (VCV002070375.4), dbSNP rs761584262, ClinGen allele CA386869423.
Genomic context (GRCh38, chr12:114,674,685, plus strand): 5'-TGGCGTGAGTCGGGCGACGCTTTGTCCAGCCGCCCGCTGTCCCGGGGCCGCTCAGCAGCG[A>G]AAAGGTGAGCCTTGACCGCGGGGCTGCCCTTGTCACGGCAGGGCTCCTCCGACGTGGTGG-3'
Protein context (NP_005987.3, residues 387-407): KGSPAVKAHL[Phe397Ser]AAERPRDSGR